The following is an entry in ClinVar:

NM_000059.4(BRCA2):c.1405G>T (p.Asp469Tyr)

Gene: BRCA2 (BRCA2 DNA repair associated; plus strand). Cytogenetic location: 13q13.1.
Variant type: single nucleotide variant.
Coding change: c.1405G>T on transcript NM_000059.4 (MANE Select); coding-DNA position 1405, G replaced by T.
Protein change: p.Asp469Tyr; replaces aspartic acid 469 with tyrosine.
Molecular consequence: missense variant. On other transcripts: intron variant (1), non-coding transcript variant (1).
Genome position (GRCh38, 1-based): chr13:32,332,883, G>T. VCF-style: chr13-32332883-G-T. GRCh37 (hg19) VCF-style: chr13-32907020-G-T.
Other names: c.1405G>T, p.Asp469Tyr (NM_001406719.1, NM_001406720.1, NM_001406721.1); c.424+1853G>T (NM_001406722.1); short protein forms D469Y.
Identifiers: ClinVar variation 2755709 (VCV002755709.3), dbSNP rs398122727, ClinGen allele CA387764168.

ClinVar aggregate classification (germline): Uncertain significance (1 of 4 stars; one submission).

Conditions:
Hereditary breast ovarian cancer syndrome. Also called: Hereditary breast and ovarian cancer; Hereditary breast and ovarian cancer syndrome; Breast and ovarian cancer; BRCA1- and BRCA2-Associated Hereditary Breast and Ovarian Cancer; Hereditary breast and ovarian cancer syndrome (HBOC); Hereditary breast and/or ovarian cancer syndrome. Identifiers: Orphanet 145, MedGen C0677776, MeSH D061325, MONDO:0003582. Disease mechanism: loss of function.

Submission:

Labcorp Genetics (formerly Invitae), Labcorp
Classification: Uncertain significance for Hereditary breast ovarian cancer syndrome. Last evaluated: 2023-08-27. Review status: criteria provided, single submitter. Criteria: Invitae Variant Classification Sherloc (09022015). Collection method: clinical testing. Allele origin: germline.
Comment: In summary, the available evidence is currently insufficient to determine the role of this variant in disease. Therefore, it has been classified as a Variant of Uncertain Significance. Advanced modeling of protein sequence and biophysical properties (such as structural, functional, and spatial information, amino acid conservation, physicochemical variation, residue mobility, and thermodynamic stability) performed at Invitae indicates that this missense variant is not expected to disrupt BRCA2 protein function. This variant has not been reported in the literature in individuals affected with BRCA2-related conditions. This variant is not present in population databases (gnomAD no frequency). This sequence change replaces aspartic acid, which is acidic and polar, with tyrosine, which is neutral and polar, at codon 469 of the BRCA2 protein (p.Asp469Tyr).